The following is an entry in ClinVar:

NM_138420.4(AHNAK2):c.5527G>C (p.Glu1843Gln)

Gene: AHNAK2 (AHNAK nucleoprotein 2; minus strand). Cytogenetic location: 14q32.33.
Variant type: single nucleotide variant.
Coding change: c.5527G>C on transcript NM_138420.4 (MANE Select); coding-DNA position 5527, G replaced by C.
Protein change: p.Glu1843Gln; replaces glutamic acid 1843 with glutamine.
Molecular consequence: missense variant.
Genome position (GRCh38, 1-based): chr14:104,949,924, C>G on the plus strand (G>C on the coding strand, the complement: AHNAK2 is on the minus strand). VCF-style: chr14-104949924-C-G. GRCh37 (hg19) VCF-style: chr14-105416261-C-G.
Other names: c.5227G>C, p.Glu1743Gln (NM_001350929.2); short protein forms E1743Q, E1843Q.
Identifiers: ClinVar variation 2644790 (VCV002644790.24), dbSNP rs202238703, ClinGen allele CA7381692.

ClinVar aggregate classification (germline): Benign (1 of 4 stars; one submission).

Allele frequency attached by ClinVar (database versions not stated): ESP Exome Variant Server 0.00050; 1000 Genomes Project 0.00120; 1000 Genomes Project 30x 0.00141.
gnomAD v4.1: 446 of 1,588,558 alleles (0.028%); highest among the groups gnomAD compares: African/African-American, 0.25%; 13 homozygotes.

Submission:

CeGaT Center for Human Genetics Tuebingen
Classification: Benign. Last evaluated: 2022-06-01. Review status: criteria provided, single submitter. Criteria: CeGaT Center For Human Genetics Tuebingen Variant Classification Criteria Version 2. Collection method: clinical testing. Allele origin: germline. Affected: yes. Observed: 1 variant allele.
Comment: AHNAK2: BS1, BS2